The following is an entry in ClinVar:

ClinVar aggregate classification (germline): Likely pathogenic (1 of 4 stars; one submission).

Conditions:
DYRK1A-related intellectual disability syndrome (MRD7). Also called: DYRK1A Syndrome; Intellectual developmental disorder, autosomal dominant 7. Identifiers: Orphanet 464306, MedGen C5568143, MONDO:0013578, OMIM 614104.

Submission:

3billion
Classification: Likely pathogenic for DYRK1A-related intellectual disability syndrome. Last evaluated: 2024-08-30. Review status: criteria provided, single submitter. Criteria: ACMG Guidelines, 2015. Collection method: clinical testing. Allele origin: germline. Affected: yes.
Comment: The variant is not observed in the gnomAD v4.0.0 dataset. Predicted Consequence/Location: Frameshift: predicted to result in a loss or disruption of normal protein function through nonsense-mediated decay (NMD) or protein truncation. Multiple pathogenic variants are reported downstream of the variant. Therefore, this variant is classified as Likely pathogenic according to the recommendation of ACMG/AMP guideline.

NM_001347721.2(DYRK1A):c.1307_1308insAT (p.Val437fs)

Gene: DYRK1A (dual specificity tyrosine phosphorylation regulated kinase 1A; plus strand). Cytogenetic location: 21q22.13.
Variant type: Insertion.
Coding change: c.1307_1308insAT on transcript NM_001347721.2 (MANE Select); coding-DNA positions 1307 to 1308, AT inserted.
Protein change: p.Val437fs; shifts the reading frame from valine 437.
Molecular consequence: frameshift variant.
Genome position: GRCh38 VCF-style: chr21-37505377-C-CAT. GRCh37 (hg19) VCF-style: chr21-38877680-C-CAT.
Other names: c.1307_1308insAT, p.Val437fs (NM_001347722.2, NM_130436.2); c.1220_1221insAT, p.Val408fs (NM_001347723.2); c.1334_1335insAT, p.Val446fs (NM_001396.5, NM_101395.2, NM_130438.2); short protein forms V408fs, V437fs, V446fs.
Identifiers: ClinVar variation 4293986 (VCV004293986.1).
Genomic context (GRCh38, chr21:37,505,377, plus strand): 5'-ACATTCTTGGAGTGGAAACAGGAGGACCTGGTGGGCGACGTGCTGGGGAGTCAGGTCATA[C>CAT]GGTCGCTGACTACTTGAAGTTCAAAGACCTCATTTTAAGGATGCTTGATTATGACCCCAA-3'